The following is an entry in ClinVar:

ClinVar aggregate classification (germline): Likely pathogenic (1 of 4 stars; one submission).

Conditions:
3-methylcrotonyl-CoA carboxylase 1 deficiency (MCC1D). Also called: MCCD TYPE 1; METHYLCROTONYLGLYCINURIA TYPE I; MCC 1 deficiency; 3 Alpha methylcrotonylglycinuria 1. Identifiers: Orphanet 6, MedGen CN028786, MONDO:0008861, OMIM 210200.

Submission:

Natera, Inc.
Classification: Likely pathogenic for 3-methylcrotonyl-CoA carboxylase 1 deficiency. Last evaluated: 2025-09-12. Review status: criteria provided, single submitter. Criteria: Natera Variant Classification Schema (03/2026). Collection method: clinical testing. Allele origin: germline.
Comment: The c.1558A>T variant in MCCC1 is a nonsense variant predicted to introduce a stop codon at amino acid 520. This variant is expected to result in nonsense mediated decay, truncation, or a dysfunctional protein product. This variant is rare in the general population with a frequency below the threshold expected for the associated phenotype(s). Given the available evidence, this variant is classified as Likely Pathogenic.

NM_020166.5(MCCC1):c.1558A>T (p.Lys520Ter)

Gene: MCCC1 (methylcrotonyl-CoA carboxylase subunit 1; minus strand). Cytogenetic location: 3q27.1.
Variant type: single nucleotide variant.
Coding change: c.1558A>T on transcript NM_020166.5 (MANE Select); coding-DNA position 1558, A replaced by T.
Protein change: p.Lys520Ter; replaces lysine 520 with a stop codon.
Molecular consequence: nonsense. On other transcripts: non-coding transcript variant (1).
Genome position (GRCh38, 1-based): chr3:183,037,254, T>A on the plus strand (A>T on the coding strand, the complement: MCCC1 is on the minus strand). VCF-style: chr3-183037254-T-A. GRCh37 (hg19) VCF-style: chr3-182755042-T-A.
Other names: c.1207A>T, p.Lys403Ter (NM_001293273.2); c.1231A>T, p.Lys411Ter (NM_001363880.1); short protein forms K403*, K411*, K520*.
Identifiers: ClinVar variation 4816030 (VCV004816030.1).